The following is an entry in ClinVar:

ClinVar aggregate classification (germline): Likely pathogenic (1 of 4 stars; one submission).

Conditions:
Bifunctional peroxisomal enzyme deficiency (DBIF). Also called: DBP DEFICIENCY; PBFE DEFICIENCY; D-bifunctional protein deficiency. Identifiers: Orphanet 300, MedGen C0342870, MONDO:0009855, OMIM 261515. Disease mechanism: loss of function.

Submission:

Myriad Genetics, Inc.
Classification: Likely pathogenic for Bifunctional peroxisomal enzyme deficiency. Last evaluated: 2022-02-28. Review status: criteria provided, single submitter. Criteria: Myriad Autosomal Dominant, Autosomal Recessive and X-Linked Classification Criteria (2023). Collection method: clinical testing. Allele origin: unknown.
Comment: NM_000414.3(HSD17B4):c.1472_1473delCT(A491Gfs*9) is expected to be pathogenic in the context of HSD17B4-related disorders. This variant is predicted to lead to an abnormal or absent protein product due to the creation of a premature termination codon in HSD17B4, a gene where loss-of-function variants are known to be pathogenic. Please note: this variant was assessed in the context of healthy population screening.

NM_000414.4(HSD17B4):c.1472_1473del (p.Ala491fs)

Gene: HSD17B4 (hydroxysteroid 17-beta dehydrogenase 4; plus strand). Cytogenetic location: 5q23.1.
Variant type: Deletion.
Coding change: c.1472_1473del on transcript NM_000414.4 (MANE Select); coding-DNA positions 1472 to 1473, 2 bases deleted (CT; older notation c.1472_1473delCT).
Protein change: p.Ala491fs; shifts the reading frame from alanine 491.
Molecular consequence: frameshift variant. On other transcripts: non-coding transcript variant (2).
Genome position (GRCh38, 1-based): chr5:119,515,015-119,515,016, CT deleted. VCF-style (leftmost placement, unchanged base first): chr5-119515014-GCT-G. GRCh37 (hg19) VCF-style: chr5-118850709-GCT-G.
Other names: c.1547_1548del, p.Ala516fs (NM_001199291.3); c.1418_1419del, p.Ala473fs (NM_001199292.2); c.1400_1401del, p.Ala467fs (NM_001292027.2, NM_001374498.1); c.1052_1053del, p.Ala351fs (NM_001292028.2); c.1463_1464del, p.Ala488fs (NM_001374497.1); c.1145_1146del, p.Ala382fs (NM_001374499.1); c.1031_1032del, p.Ala344fs (NM_001374500.1); c.1061_1062del, p.Ala354fs (NM_001374501.1, NM_001374502.1, NM_001374503.1); short protein forms A344fs, A351fs, A354fs, A382fs, A467fs, A473fs, A488fs, A491fs.
Identifiers: ClinVar variation 1724801 (VCV001724801.3), dbSNP rs2531840868, ClinGen allele CA2580072544.